The following is an entry in ClinVar:

ClinVar aggregate classification (germline): Uncertain significance (1 of 4 stars; one submission).

Conditions:
Developmental and epileptic encephalopathy 94 (DEE94). Also called: Epileptic encephalopathy, childhood-onset; CHD2-Related Neurodevelopmental Disorders. Identifiers: Orphanet 1942, Orphanet 2382, MedGen C3809278, MONDO:0014150, OMIM 615369.

Allele frequency attached by ClinVar (database versions not stated): gnomAD exomes below 0.00001 and 0.00001.
gnomAD v4.1: 2 of 1,594,244 alleles (0.00013%); highest among the groups gnomAD compares: South Asian, 0.0023%; no homozygotes.

Submission:

Labcorp Genetics (formerly Invitae), Labcorp
Classification: Uncertain significance for Developmental and epileptic encephalopathy 94. Last evaluated: 2020-02-29. Review status: criteria provided, single submitter. Criteria: Invitae Variant Classification Sherloc (09022015). Collection method: clinical testing. Allele origin: germline.
Comment: In summary, the available evidence is currently insufficient to determine the role of this variant in disease. Therefore, it has been classified as a Variant of Uncertain Significance. Algorithms developed to predict the effect of missense changes on protein structure and function are either unavailable or do not agree on the potential impact of this missense change (SIFT: "Deleterious"; PolyPhen-2: "Benign"; Align-GVGD: "Class C0"). This variant has not been reported in the literature in individuals with CHD2-related disease. This variant is not present in population databases (ExAC no frequency). This sequence change replaces glutamic acid with glycine at codon 1425 of the CHD2 protein (p.Glu1425Gly). The glutamic acid residue is highly conserved and there is a moderate physicochemical difference between glutamic acid and glycine.

NM_001271.4(CHD2):c.4274A>G (p.Glu1425Gly)

Gene: CHD2 (chromodomain helicase DNA binding protein 2; plus strand). Cytogenetic location: 15q26.1.
Variant type: single nucleotide variant.
Coding change: c.4274A>G on transcript NM_001271.4 (MANE Select); coding-DNA position 4274, A replaced by G.
Protein change: p.Glu1425Gly; replaces glutamic acid 1425 with glycine.
Molecular consequence: missense variant.
Genome position (GRCh38, 1-based): chr15:93,002,313, A>G. VCF-style: chr15-93002313-A-G. GRCh37 (hg19) VCF-style: chr15-93545543-A-G.
Other names: short protein forms E1425G.
Identifiers: ClinVar variation 657064 (VCV000657064.9), dbSNP rs1304514223, ClinGen allele CA393901603.